The following is an entry in ClinVar:

NM_000368.5(TSC1):c.1331C>T (p.Ser444Leu)

Gene: TSC1 (TSC complex subunit 1; minus strand). Cytogenetic location: 9q34.13.
Variant type: single nucleotide variant.
Coding change: c.1331C>T on transcript NM_000368.5 (MANE Select); coding-DNA position 1331, C replaced by T.
Protein change: p.Ser444Leu; replaces serine 444 with leucine.
Molecular consequence: missense variant. On other transcripts: non-coding transcript variant (5).
Genome position (GRCh38, 1-based): chr9:132,907,303, G>A on the plus strand (C>T on the coding strand, the complement: TSC1 is on the minus strand). VCF-style: chr9-132907303-G-A. GRCh37 (hg19) VCF-style: chr9-135782690-G-A.
Other names: c.1328C>T, p.Ser443Leu (NM_001162426.2, NM_001406608.1, NM_001406609.1 and 6 more transcripts); c.1178C>T, p.Ser393Leu (NM_001162427.2, NM_001406610.1); c.968C>T, p.Ser323Leu (NM_001362177.2, NM_001406624.1, NM_001406614.1 and 5 more transcripts); c.1331C>T, p.Ser444Leu (NM_001406592.1, NM_001406593.1, NM_001406594.1 and 7 more transcripts); c.1175C>T, p.Ser392Leu (NM_001406611.1, NM_001406612.1, NM_001406613.1); c.965C>T, p.Ser322Leu (NM_001406625.1, NM_001406620.1, NM_001406621.1 and 2 more transcripts); c.380C>T, p.Ser127Leu (NM_001406626.1); c.377C>T, p.Ser126Leu (NM_001406627.1, NM_001406628.1); and 1 more; short protein forms S126L, S127L, S322L, S323L, S392L, S393L, S443L, S444L.
Identifiers: ClinVar variation 3386146 (VCV003386146.2).

ClinVar aggregate classification (germline): Uncertain significance. Review status: criteria provided, multiple submitters, no conflicts (2 of 4 stars). 2 submissions from 2 submitters: Uncertain significance (2). Last evaluated 2024-08-13.

Conditions:
Lymphangiomyomatosis (LAM). Also called: Lymphangioleiomyomatosis; Lymphangioleiomyomatosis, somatic. Identifiers: Orphanet 538, MedGen C0751674, MONDO:0011705, OMIM 606690.
Tuberous sclerosis 1 (TSC1). Identifiers: Orphanet 805, MedGen C1854465, MONDO:0008612, OMIM 191100.
Isolated focal cortical dysplasia type II (FCORD2). Also called: Focal cortical dysplasia type II; CORTICAL DYSPLASIA OF TAYLOR. Identifiers: Orphanet 268994, MedGen C1846385, MONDO:0011818, OMIM 607341, HP:0032051.
Tuberous sclerosis syndrome (TSC). Also called: Tuberous Sclerosis Complex; Tuberous sclerosis. Identifiers: Orphanet 805, MedGen C0041341, MONDO:0001734.

Submissions (2):

All of Us Research Program, National Institutes of Health
Classification: Uncertain significance for Tuberous sclerosis syndrome. Last evaluated: 2024-08-13. Review status: criteria provided, single submitter. Criteria: ACMG Guidelines, 2015. Collection method: clinical testing. Allele origin: germline. Inheritance: Autosomal dominant inheritance. Observed: 1 variant allele, 1 heterozygote.
Comment: This missense variant replaces serine with leucine at codon 444 of the TSC1 protein. Computational prediction suggests that this variant may not impact protein structure and function (internally defined REVEL score threshold <= 0.5, PMID: 27666373). To our knowledge, functional studies have not been reported for this variant. This variant has not been reported in individuals affected with TSC1-related disorders in the literature. This variant has not been identified in the general population by the Genome Aggregation Database (gnomAD). The available evidence is insufficient to determine the role of this variant in disease conclusively. Therefore, this variant is classified as a Variant of Uncertain Significance.

This study involves interpretation of variants in research participants for the purpose of population health screening. Participant phenotype was not available at the time of variant classification. Additional details can be found in publication PMID: 35346344, PMCID: PMC8962531

Fulgent Genetics
Classification: Uncertain significance for Tuberous sclerosis 1; Lymphangiomyomatosis; Isolated focal cortical dysplasia type II. Last evaluated: 2024-04-18. Review status: criteria provided, single submitter. Criteria: ACMG Guidelines, 2015. Collection method: clinical testing. Allele origin: germline.